The following is an entry in ClinVar:

ClinVar aggregate classification (germline): Uncertain significance. Review status: criteria provided, multiple submitters, no conflicts (2 of 4 stars). 2 submissions from 2 submitters: Uncertain significance (2). Last evaluated 2024-03-15.

Conditions:
Inborn genetic diseases. Identifiers: MedGen C0950123, MeSH D030342.

gnomAD v4.1: 17 of 1,613,706 alleles (0.0011%); highest among the groups gnomAD compares: Admixed American, 0.017%; no homozygotes.

Submissions (2):

Ambry Genetics
Classification: Uncertain significance for Inborn genetic diseases. Last evaluated: 2024-03-15. Review status: criteria provided, single submitter. Criteria: Ambry Variant Classification Scheme 2023. Collection method: clinical testing. Allele origin: germline.

GeneDx
Classification: Uncertain significance. Last evaluated: 2024-02-29. Review status: criteria provided, single submitter. Criteria: GeneDx Variant Classification Process June 2021. Collection method: clinical testing. Allele origin: germline. Affected: yes.
Comment: In silico analysis supports that this missense variant has a deleterious effect on protein structure/function; Has not been previously published as pathogenic or benign to our knowledge

NM_001080414.4(CCDC88C):c.4601C>T (p.Pro1534Leu)

Gene: CCDC88C (coiled-coil domain containing 88C; minus strand). Cytogenetic location: 14q32.11.
Variant type: single nucleotide variant.
Coding change: c.4601C>T on transcript NM_001080414.4 (MANE Select); coding-DNA position 4601, C replaced by T.
Protein change: p.Pro1534Leu; replaces proline 1534 with leucine.
Molecular consequence: missense variant.
Genome position (GRCh38, 1-based): chr14:91,283,358, G>A on the plus strand (C>T on the coding strand, the complement: CCDC88C is on the minus strand). VCF-style: chr14-91283358-G-A. GRCh37 (hg19) VCF-style: chr14-91749702-G-A.
Other names: short protein forms P1534L.
Identifiers: ClinVar variation 3264390 (VCV003264390.2).
Genomic context (GRCh38, chr14:91,283,358, plus strand): 5'-GCTCATGGCTCTGGAAGGGCCTGTGACTCACCTTTGGTGCGGCCTGGGTGCCGGGCGATG[G>A]GGGTGGAGTTGGAAGGGGCTGTAGTGGTGGCTGAAGTTGAGCAAGTCCGGGAGCCCAGCT-3'
Protein context (NP_001073883.2, residues 1524-1544): ATTTAPSNST[Pro1534Leu]IARHPGRTKG